The following is an entry in ClinVar:

ClinVar aggregate classification (germline): Uncertain significance. Review status: criteria provided, multiple submitters, no conflicts (2 of 4 stars). 2 submissions from 2 submitters: Uncertain significance (2). Last evaluated 2024-04-17.

Conditions:
Inborn genetic diseases. Identifiers: MedGen C0950123, MeSH D030342.

Allele frequency attached by ClinVar (database versions not stated): ExAC 0.00001; TOPMed 0.00005; gnomAD 0.00006; gnomAD exomes 0.00006 and 0.00008; ESP Exome Variant Server 0.00008.
gnomAD v4.1: 94 of 1,613,562 alleles (0.0058%); highest among the groups gnomAD compares: Non-Finnish European, 0.0077%; no homozygotes.

Submissions (2):

Labcorp Genetics (formerly Invitae), Labcorp
Classification: Uncertain significance. Last evaluated: 2024-04-17. Review status: criteria provided, single submitter. Criteria: Invitae Variant Classification Sherloc (09022015). Collection method: clinical testing. Allele origin: germline.
Comment: This sequence change replaces serine, which is neutral and polar, with asparagine, which is neutral and polar, at codon 4154 of the PCLO protein (p.Ser4154Asn). This variant is present in population databases (rs375791815, gnomAD 0.02%). This variant has not been reported in the literature in individuals affected with PCLO-related conditions. ClinVar contains an entry for this variant (Variation ID: 1525502). Experimental studies and prediction algorithms are not available or were not evaluated, and the functional significance of this variant is currently unknown. In summary, the available evidence is currently insufficient to determine the role of this variant in disease. Therefore, it has been classified as a Variant of Uncertain Significance.

Ambry Genetics
Classification: Uncertain significance for Inborn genetic diseases. Last evaluated: 2022-10-03. Review status: criteria provided, single submitter. Criteria: Ambry Variant Classification Scheme 2023. Collection method: clinical testing. Allele origin: germline.

NM_033026.6(PCLO):c.12461G>A (p.Ser4154Asn)

Gene: PCLO (piccolo presynaptic cytomatrix protein; minus strand). Cytogenetic location: 7q21.11.
Variant type: single nucleotide variant.
Coding change: c.12461G>A on transcript NM_033026.6 (MANE Select); coding-DNA position 12461, G replaced by A.
Protein change: p.Ser4154Asn; replaces serine 4154 with asparagine.
Molecular consequence: missense variant.
Genome position (GRCh38, 1-based): chr7:82,915,525, C>T on the plus strand (G>A on the coding strand, the complement: PCLO is on the minus strand). VCF-style: chr7-82915525-C-T. GRCh37 (hg19) VCF-style: chr7-82544841-C-T.
Other names: c.12461G>A, p.Ser4154Asn (NM_014510.3); c.12461G>A (NM_033026.5); short protein forms S4154N.
Identifiers: ClinVar variation 1525502 (VCV001525502.6), dbSNP rs375791815, ClinGen allele CA4319365.
Genomic context (GRCh38, chr7:82,915,525, plus strand): 5'-TGTTTTTCAAGTGTGAGTCTACTGATGCTATACTTCTCAGATTTTGGAAAATGTCTGTAG[C>T]TAGTATCAGCATGGTAATAATGAGAAAGACCAGCAAGGTGATCTAAGCTCTCTGTCCCTC-3'
Protein context (NP_149015.2, residues 4144-4164): GLSHYYHADT[Ser4154Asn]YRHFPKSEKY